The following is an entry in ClinVar:

ClinVar aggregate classification (germline): Likely benign (1 of 4 stars; one submission).

Submission:

Mayo Clinic Laboratories, Mayo Clinic
Classification: Likely benign. Last evaluated: 2025-11-23. Review status: criteria provided, single submitter. Criteria: ACMG Guidelines, 2015. Collection method: clinical testing. Allele origin: germline. Observed: 1 variant allele.
Comment: BP4, BP7

NM_006950.3(SYN1):c.1632A>G (p.Pro544=)

Gene: SYN1 (synapsin I; minus strand). Cytogenetic location: Xp11.3.
Variant type: single nucleotide variant.
Coding change: c.1632A>G on transcript NM_006950.3 (MANE Select); coding-DNA position 1632, A replaced by G.
Protein change: p.Pro544=; no amino-acid change (proline 544 retained).
Molecular consequence: synonymous variant.
Genome position (GRCh38, 1-based): chrX:47,574,352, T>C on the plus strand (A>G on the coding strand, the complement: SYN1 is on the minus strand). VCF-style: chrX-47574352-T-C. GRCh37 (hg19) VCF-style: chrX-47433751-T-C.
Other names: p.Pro544=; c.1632A>G, p.Pro544= (NM_133499.2).
Identifiers: ClinVar variation 4684516 (VCV004684516.1).